The following is an entry in ClinVar:

ClinVar aggregate classification (germline): Uncertain significance. Review status: criteria provided, single submitter (1 of 4 stars). 2 submissions from 2 submitters: Uncertain significance (1). 1 of the submissions does not count toward it. Last evaluated 2025-06-27.

Conditions:
GNAS-related disorder. Identifiers: MedGen CN380105.

Allele frequency attached by ClinVar (database versions not stated): TOPMed 0.00002.

Submissions (2):

PreventionGenetics, part of Exact Sciences
Classification: Uncertain significance for GNAS-related condition. Last evaluated: 2025-06-27. Review status: criteria provided, single submitter. Criteria: ACMG Guidelines, 2015. Collection method: clinical testing. Allele origin: germline.
Comment: The GNAS c.3G>A variant is predicted to disrupt the translation initiation site (Start loss). This variant corresponds to a pre-coding position in clinically-relevant alternate transcript for this gene (NM_000516:c.-51618G>A). To our knowledge, this variant has not been reported in the literature or in a large population database (gnomAD), indicating this variant is rare. At this time, the clinical significance of this variant is uncertain due to the absence of conclusive functional and genetic evidence.

Gharavi Laboratory, Columbia University
Classification: Likely pathogenic. Last evaluated: 2018-09-16. Review status: no assertion criteria provided. Criteria: ACMG Guidelines, 2015. Collection method: research. Allele origin: germline. Affected: yes. Not counted in ClinVar's aggregate classification.

NM_016592.5(GNAS):c.3G>A (p.Met1Ile)

Genes: GNAS (GNAS complex locus; plus strand), GNAS-AS1 (GNAS antisense RNA 1; minus strand). Cytogenetic location: 20q13.32.
Variant type: single nucleotide variant.
Coding change: c.3G>A on transcript NM_016592.5 (MANE Plus Clinical); coding-DNA position 3, G replaced by A.
Protein change: p.Met1Ile; changes the start codon (methionine 1).
Molecular consequence: missense variant, initiator codon variant. On other transcripts: 5 prime UTR variant (1).
Genome position (GRCh38, 1-based): chr20:58,840,109, G>A. VCF-style: chr20-58840109-G-A. GRCh37 (hg19) VCF-style: chr20-57415164-G-A.
Other names: c.-735G>A (NM_001410912.1); short protein forms M1I.
Identifiers: ClinVar variation 562456 (VCV000562456.5), dbSNP rs1568906610, ClinGen allele CA409450470.